The following is an entry in ClinVar:

NM_015971.4(MRPS7):c.686T>C (p.Met229Thr)

Gene: MRPS7 (mitochondrial ribosomal protein S7; plus strand). Cytogenetic location: 17q25.1.
Variant type: single nucleotide variant.
Coding change: c.686T>C on transcript NM_015971.4 (MANE Select); coding-DNA position 686, T replaced by C.
Protein change: p.Met229Thr; replaces methionine 229 with threonine.
Molecular consequence: missense variant.
Genome position (GRCh38, 1-based): chr17:75,265,880, T>C. VCF-style: chr17-75265880-T-C. GRCh37 (hg19) VCF-style: chr17-73261961-T-C.
Other names: c.686T>C (NM_015971.3); short protein forms M229T.
Identifiers: ClinVar variation 3000847 (VCV003000847.4), dbSNP rs762944168, ClinGen allele CA8760477.

ClinVar aggregate classification (germline): Uncertain significance. Review status: criteria provided, multiple submitters, no conflicts (2 of 4 stars). 2 submissions from 2 submitters: Uncertain significance (2). Last evaluated 2025-04-07.

Allele frequency attached by ClinVar (database versions not stated): gnomAD exomes below 0.00001; ExAC 0.00001.
gnomAD v4.1: 3 of 1,614,046 alleles (0.00019%); highest among the groups gnomAD compares: Admixed American, 0.0033%; no homozygotes.

Submissions (2):

Ambry Genetics
Classification: Uncertain significance. Last evaluated: 2025-04-07. Review status: criteria provided, single submitter. Criteria: Ambry Variant Classification Scheme 2023. Collection method: clinical testing. Allele origin: germline.

Labcorp Genetics (formerly Invitae), Labcorp
Classification: Uncertain significance. Last evaluated: 2023-12-10. Review status: criteria provided, single submitter. Criteria: Invitae Variant Classification Sherloc (09022015). Collection method: clinical testing. Allele origin: germline.
Comment: This sequence change replaces methionine, which is neutral and non-polar, with threonine, which is neutral and polar, at codon 229 of the MRPS7 protein (p.Met229Thr). This variant is present in population databases (rs762944168, gnomAD 0.003%). This variant has not been reported in the literature in individuals affected with MRPS7-related conditions. Advanced modeling of protein sequence and biophysical properties (such as structural, functional, and spatial information, amino acid conservation, physicochemical variation, residue mobility, and thermodynamic stability) performed at Invitae indicates that this missense variant is not expected to disrupt MRPS7 protein function with a negative predictive value of 80%. In summary, the available evidence is currently insufficient to determine the role of this variant in disease. Therefore, it has been classified as a Variant of Uncertain Significance.